The following is an entry in ClinVar:

ClinVar aggregate classification (germline): Uncertain significance (1 of 4 stars; one submission).

Submission:

GeneDx
Classification: Uncertain significance. Last evaluated: 2024-01-24. Review status: criteria provided, single submitter. Criteria: GeneDx Variant Classification Process June 2021. Collection method: clinical testing. Allele origin: germline. Affected: yes.
Comment: Not observed at significant frequency in large population cohorts (gnomAD); In silico analysis supports that this missense variant has a deleterious effect on protein structure/function; Has not been previously published as pathogenic or benign to our knowledge

NM_006922.4(SCN3A):c.2590T>C (p.Ser864Pro)

Gene: SCN3A (sodium voltage-gated channel alpha subunit 3; minus strand). Cytogenetic location: 2q24.3.
Variant type: single nucleotide variant.
Coding change: c.2590T>C on transcript NM_006922.4 (MANE Select); coding-DNA position 2590, T replaced by C.
Protein change: p.Ser864Pro; replaces serine 864 with proline.
Molecular consequence: missense variant.
Genome position (GRCh38, 1-based): chr2:165,130,272, A>G on the plus strand (T>C on the coding strand, the complement: SCN3A is on the minus strand). VCF-style: chr2-165130272-A-G. GRCh37 (hg19) VCF-style: chr2-165986782-A-G.
Other names: c.2443T>C, p.Ser815Pro (NM_001081676.2, NM_001081677.2); short protein forms S815P, S864P.
Identifiers: ClinVar variation 3368322 (VCV003368322.1).